The following is an entry in ClinVar:

ClinVar aggregate classification (germline): Uncertain significance. Review status: criteria provided, multiple submitters, no conflicts (2 of 4 stars). 2 submissions from 2 submitters: Uncertain significance (2). Last evaluated 2023-07-26.

Conditions:
Dilated cardiomyopathy 1JJ (CMD1JJ). Identifiers: Orphanet 154, MedGen C3808935, MONDO:0014095, OMIM 615235.
Cardiovascular phenotype. Identifiers: MedGen CN230736.

Allele frequency attached by ClinVar (database versions not stated): gnomAD exomes 0.00001 and 0.00002; gnomAD 0.00002; TOPMed 0.00002.
gnomAD v4.1: 26 of 1,613,308 alleles (0.0016%); highest among the groups gnomAD compares: Middle Eastern, 0.016%; no homozygotes.

Submissions (2):

Ambry Genetics
Classification: Uncertain significance for Cardiovascular phenotype. Last evaluated: 2023-07-26. Review status: criteria provided, single submitter. Criteria: Ambry Variant Classification Scheme 2023. Collection method: clinical testing. Allele origin: germline.
Comment: The c.3536+4A>G intronic variant results from an A to G substitution 4 nucleotides after coding exon 25 in the LAMA4 gene. This nucleotide position is highly conserved in available vertebrate species. In silico splice site analysis predicts that this alteration will not have any significant effect on splicing. The evidence for this gene-disease relationship is limited; therefore, the clinical significance of this alteration is unclear.

Labcorp Genetics (formerly Invitae), Labcorp
Classification: Uncertain significance for Dilated cardiomyopathy 1JJ. Last evaluated: 2021-01-23. Review status: criteria provided, single submitter. Criteria: Invitae Variant Classification Sherloc (09022015). Collection method: clinical testing. Allele origin: germline.
Comment: This sequence change falls in intron 26 of the LAMA4 gene. It does not directly change the encoded amino acid sequence of the LAMA4 protein. It affects a nucleotide within the consensus splice site of the intron. This variant is not present in population databases (ExAC no frequency). This variant has not been reported in the literature in individuals with LAMA4-related conditions. Nucleotide substitutions within the consensus splice site are a relatively common cause of aberrant splicing (PMID: 17576681, 9536098). Algorithms developed to predict the effect of sequence changes on RNA splicing suggest that this variant is not likely to affect RNA splicing, but this prediction has not been confirmed by published transcriptional studies. In summary, the available evidence is currently insufficient to determine the role of this variant in disease. Therefore, it has been classified as a Variant of Uncertain Significance.

Literature cited by the submitters: PubMed 17576681 (cited by Labcorp Genetics (formerly Invitae), Labcorp); PubMed 9536098 (cited by Labcorp Genetics (formerly Invitae), Labcorp).

NM_001105206.3(LAMA4):c.3557+4A>G

Gene: LAMA4 (laminin subunit alpha 4; minus strand). Cytogenetic location: 6q21.
Variant type: single nucleotide variant.
Coding change: c.3557+4A>G on transcript NM_001105206.3 (MANE Select); 4 bases into the intron after coding-DNA position 3557, A replaced by G.
Molecular consequence: intron variant.
Genome position (GRCh38, 1-based): chr6:112,134,463, T>C on the plus strand (A>G on the coding strand, the complement: LAMA4 is on the minus strand). VCF-style: chr6-112134463-T-C. GRCh37 (hg19) VCF-style: chr6-112455665-T-C.
Other names: c.3536+4A>G (NM_002290.5, NM_001105207.3, NM_002290.3).
Identifiers: ClinVar variation 1393744 (VCV001393744.7), dbSNP rs781832125, ClinGen allele CA365376537.
Genomic context (GRCh38, chr6:112,134,463, plus strand): 5'-CTCCTGGATGTTGCCAGCCCAGTACATTGCTAGGAACAAACAGCTACTTAACAAAAAGCC[T>C]TACCTGGATTGTAAGATTTCTGGAGGAGCTCCTCCAATGTATATATCTGTAAAAGGTATT-3'